The following is an entry in ClinVar:

NC_000003.12:g.124055231T>G

Gene: KALRN (kalirin RhoGEF kinase; plus strand). Cytogenetic location: 3q21.1.
Variant type: single nucleotide variant.
Genome position: GRCh38 VCF-style: chr3-124055231-T-G. GRCh37 (hg19) VCF-style: chr3-123774078-T-G.
Other names: KALRN, G-T (rs9289231).
Identifiers: ClinVar variation 5458 (VCV000005458.6), dbSNP rs9289231, ClinGen allele CA117541.

ClinVar aggregate classification (germline): Benign. Review status: criteria provided, single submitter (1 of 4 stars). 3 submissions from 3 submitters: Benign (1). 2 of the submissions do not count toward it. Last evaluated 2025-02-07.

Conditions:
Coronary heart disease, susceptibility to, 5. Identifiers: MedGen C1837173, MONDO:0012147, OMIM 608901.
KALRN-related disorder. Also called: KALRN-related condition.

Allele frequency attached by ClinVar (database versions not stated): 1000 Genomes Project 0.12760; 1000 Genomes Project 30x 0.13148; gnomAD 0.14244 and 0.14735; TOPMed 0.14725.
gnomAD v4.1: 21,633 of 152,212 alleles (14%); highest among the groups gnomAD compares: African/African-American, 28%; 2,094 homozygotes.

Submissions (3):

Mendelics
Classification: Benign for Coronary heart disease, susceptibility to, 5. Last evaluated: 2025-02-07. Review status: criteria provided, single submitter. Criteria: ACMG Guidelines, 2015. Collection method: clinical testing. Allele origin: unknown.
Comment: This variant is considered likely benign or benign based on one or more of the following: it is predicted to be benign by multiple in silico algorithms, and/or has population frequency not consistent with disease, and/or has normal protein function, and/or has lack of segregation with disease, and/or has been detected in co-occurrence with known pathogenic variant, and/or has lack of disease association in case-control studies, and/or is located in a region inconsistent with a known cause of pathogenicity. GnomAD 4.1.0 frequency 0.1421 2094 homozygotes

PreventionGenetics, part of Exact Sciences
Classification: Benign for KALRN-related condition. Last evaluated: 2021-02-22. Review status: no assertion criteria provided. Collection method: clinical testing. Allele origin: germline. Not counted in ClinVar's aggregate classification.
Comment: This variant is classified as benign based on ACMG/AMP sequence variant interpretation guidelines (Richards et al. 2015 PMID: 25741868, with internal and published modifications).

OMIM
Classification: Pathogenic for RECLASSIFIED - VARIANT of UNKNOWN SIGNIFICANCE. Last evaluated: 2007-04-01. Review status: no assertion criteria provided. Collection method: literature only. Allele origin: germline. Not counted in ClinVar's aggregate classification.

Literature cited by the submitters: Hamosh, A. Personal Communication. 2019. Baltimore, Md. (cited by OMIM); PubMed 17357071 (cited by OMIM).